The following is an entry in ClinVar:

NM_024675.4(PALB2):c.1555G>A (p.Ala519Thr)

Gene: PALB2 (partner and localizer of BRCA2; minus strand). Cytogenetic location: 16p12.2.
Variant type: single nucleotide variant.
Coding change: c.1555G>A on transcript NM_024675.4 (MANE Select); coding-DNA position 1555, G replaced by A.
Protein change: p.Ala519Thr; replaces alanine 519 with threonine.
Molecular consequence: missense variant.
Genome position (GRCh38, 1-based): chr16:23,634,991, C>T on the plus strand (G>A on the coding strand, the complement: PALB2 is on the minus strand). VCF-style: chr16-23634991-C-T. GRCh37 (hg19) VCF-style: chr16-23646312-C-T.
Other names: c.1495G>A, p.Ala499Thr (NM_001407296.1); c.1555G>A, p.Ala519Thr (NM_001407297.1, NM_001407298.1, NM_001407299.1 and 3 more transcripts); c.670G>A, p.Ala224Thr (NM_001407304.1, NM_001407305.1, NM_001407306.1 and 5 more transcripts); short protein forms A499T, A224T, A519T.
Identifiers: ClinVar variation 1775146 (VCV001775146.2), dbSNP rs1597095651, ClinGen allele CA395130800.

ClinVar aggregate classification (germline): Uncertain significance (1 of 4 stars; one submission).

Conditions:
Hereditary cancer-predisposing syndrome. Also called: Hereditary Cancer Syndrome; Hereditary neoplastic syndrome; Neoplastic Syndromes, Hereditary; Tumor predisposition. Identifiers: Orphanet 140162, MedGen C0027672, MeSH D009386, MONDO:0015356.

Submission:

Ambry Genetics
Classification: Uncertain significance for Hereditary cancer-predisposing syndrome. Last evaluated: 2022-03-07. Review status: criteria provided, single submitter. Criteria: Ambry Variant Classification Scheme 2023. Collection method: clinical testing. Allele origin: germline.
Comment: The p.A519T variant (also known as c.1555G>A), located in coding exon 4 of the PALB2 gene, results from a G to A substitution at nucleotide position 1555. The alanine at codon 519 is replaced by threonine, an amino acid with similar properties. This amino acid position is conserved. In addition, this alteration is predicted to be tolerated by in silico analysis. Since supporting evidence is limited at this time, the clinical significance of this alteration remains unclear.